The following is an entry in ClinVar:

NM_025216.3(WNT10A):c.294C>T (p.His98=)

Gene: WNT10A (Wnt family member 10A; plus strand). Cytogenetic location: 2q35.
Variant type: single nucleotide variant.
Coding change: c.294C>T on transcript NM_025216.3 (MANE Select); coding-DNA position 294, C replaced by T.
Protein change: p.His98=; no amino-acid change (histidine 98 retained).
Molecular consequence: synonymous variant.
Genome position (GRCh38, 1-based): chr2:218,882,341, C>T. VCF-style: chr2-218882341-C-T. GRCh37 (hg19) VCF-style: chr2-219747063-C-T.
Identifiers: ClinVar variation 3054374 (VCV003054374.2), dbSNP rs1244745229, ClinGen allele CA431416514.

ClinVar aggregate classification (germline): Likely benign (0 of 4 stars; one submission).

Conditions:
WNT10A-related disorder. Also called: WNT10A-related disorders; WNT10A-related condition.

gnomAD v4.1: 2 of 1,614,176 alleles (0.00012%); highest among the groups gnomAD compares: Non-Finnish European, 0.00017%; no homozygotes.

Submission:

PreventionGenetics, part of Exact Sciences
Classification: Likely benign for WNT10A-related condition. Last evaluated: 2023-05-01. Review status: no assertion criteria provided. Collection method: clinical testing. Allele origin: germline.
Comment: This variant is classified as likely benign based on ACMG/AMP sequence variant interpretation guidelines (Richards et al. 2015 PMID: 25741868, with internal and published modifications).